The following is an entry in ClinVar:

NM_001813.3(CENPE):c.779G>A (p.Arg260Gln)

Gene: CENPE (centromere protein E; minus strand). Cytogenetic location: 4q24.
Variant type: single nucleotide variant.
Coding change: c.779G>A on transcript NM_001813.3 (MANE Select); coding-DNA position 779, G replaced by A.
Protein change: p.Arg260Gln; replaces arginine 260 with glutamine.
Molecular consequence: missense variant.
Genome position (GRCh38, 1-based): chr4:103,183,255, C>T on the plus strand (G>A on the coding strand, the complement: CENPE is on the minus strand). VCF-style: chr4-103183255-C-T. GRCh37 (hg19) VCF-style: chr4-104104412-C-T.
Other names: c.779G>A, p.Arg260Gln (NM_001286734.2); short protein forms R260Q.
Identifiers: ClinVar variation 1315447 (VCV001315447.2), dbSNP rs774385555, ClinGen allele CA357788664.

ClinVar aggregate classification (germline): Uncertain significance (1 of 4 stars; one submission).

Submission:

GeneDx
Classification: Uncertain significance. Last evaluated: 2020-02-14. Review status: criteria provided, single submitter. Criteria: GeneDx Variant Classification Process June 2021. Collection method: clinical testing. Allele origin: germline. Affected: yes.
Comment: Not observed in large population cohorts (Lek et al., 2016); In silico analysis supports that this missense variant does not alter protein structure/function; Has not been previously published as pathogenic or benign to our knowledge